The following is an entry in ClinVar:

ClinVar aggregate classification (germline): Uncertain significance (1 of 4 stars; one submission).

Submission:

Labcorp Genetics (formerly Invitae), Labcorp
Classification: Uncertain significance. Last evaluated: 2025-05-06. Review status: criteria provided, single submitter. Criteria: Invitae Variant Classification Sherloc (09022015). Collection method: clinical testing. Allele origin: germline.
Comment: This sequence change replaces valine, which is neutral and non-polar, with alanine, which is neutral and non-polar, at codon 85 of the PDE10A protein (p.Val85Ala). This variant is not present in population databases (gnomAD no frequency). This variant has not been reported in the literature in individuals affected with PDE10A-related conditions. An algorithm developed to predict the effect of missense changes on protein structure and function (PolyPhen-2) suggests that this variant is likely to be tolerated. In summary, the available evidence is currently insufficient to determine the role of this variant in disease. Therefore, it has been classified as a Variant of Uncertain Significance.

NM_001385079.1(PDE10A):c.1052T>C (p.Val351Ala)

Gene: PDE10A (phosphodiesterase 10A; minus strand). Cytogenetic location: 6q27.
Variant type: single nucleotide variant.
Coding change: c.1052T>C on transcript NM_001385079.1 (MANE Select); coding-DNA position 1052, T replaced by C.
Protein change: p.Val351Ala; replaces valine 351 with alanine.
Molecular consequence: missense variant.
Genome position (GRCh38, 1-based): chr6:165,450,334, A>G on the plus strand (T>C on the coding strand, the complement: PDE10A is on the minus strand). VCF-style: chr6-165450334-A-G. GRCh37 (hg19) VCF-style: chr6-165863822-A-G.
Other names: c.254T>C, p.Val85Ala (NM_001130690.3); c.224T>C, p.Val75Ala (NM_006661.4); short protein forms V351A, V75A, V85A.
Identifiers: ClinVar variation 4715183 (VCV004715183.1).